The following is an entry in ClinVar:

NM_005633.4(SOS1):c.1329A>G (p.Glu443=)

Gene: SOS1 (SOS Ras/Rac guanine nucleotide exchange factor 1; minus strand). Cytogenetic location: 2p22.1.
Variant type: single nucleotide variant.
Coding change: c.1329A>G on transcript NM_005633.4 (MANE Select); coding-DNA position 1329, A replaced by G.
Protein change: p.Glu443=; no amino-acid change (glutamic acid 443 retained).
Molecular consequence: synonymous variant.
Genome position (GRCh38, 1-based): chr2:39,023,099, T>C on the plus strand (A>G on the coding strand, the complement: SOS1 is on the minus strand). VCF-style: chr2-39023099-T-C. GRCh37 (hg19) VCF-style: chr2-39250240-T-C.
Other names: c.1308A>G, p.Glu436= (NM_001382394.1); c.1329A>G, p.Glu443= (NM_001382395.1).
Identifiers: ClinVar variation 4985089 (VCV004985089.1).
Genomic context (GRCh38, chr2:39,023,099, plus strand): 5'-GAGAAATATGTGTCTCTCATGTTTGGCTCCTACACGTGTAAGAGTTCCTTCCATTATAAA[T>C]TCATTACAACACTGTCCAATGTCTTTTCCCTCCCAACCATCAATATTCTTCTGAATCTCG-3'
Protein context (NP_005624.2, residues 433-453): EGKDIGQCCN[Glu443=]FIMEGTLTRV

ClinVar aggregate classification (germline): Likely benign (1 of 4 stars; one submission).

Conditions:
SOS1-related disorder. Also called: SOS1-related condition.

Submission:

PreventionGenetics, part of Exact Sciences
Classification: Likely benign for SOS1-related condition. Last evaluated: 2025-09-08. Review status: criteria provided, single submitter. Criteria: ACMG Guidelines, 2015. Collection method: clinical testing. Allele origin: germline.
Comment: This variant is classified as likely benign based on ACMG/AMP sequence variant interpretation guidelines (Richards et al. 2015 PMID: 25741868, with internal and published modifications).